The following is an entry in ClinVar:

ClinVar aggregate classification (germline): Uncertain significance. Review status: criteria provided, multiple submitters, no conflicts (2 of 4 stars). 2 submissions from 2 submitters: Uncertain significance (2). Last evaluated 2019-07-18.

Conditions:
Hereditary diffuse gastric adenocarcinoma (HDGC). Also called: DIFFUSE GASTRIC AND LOBULAR BREAST CANCER SYNDROME. Identifiers: Orphanet 26106, MedGen C1708349, MONDO:0007648, OMIM 137215.
Hereditary cancer-predisposing syndrome. Also called: Hereditary Cancer Syndrome; Neoplastic Syndromes, Hereditary; Hereditary neoplastic syndrome; Tumor predisposition. Identifiers: Orphanet 140162, MedGen C0027672, MeSH D009386, MONDO:0015356.

gnomAD v4.1: 1 of 1,614,070 alleles (0.000062%); no homozygotes.

Submissions (2):

Labcorp Genetics (formerly Invitae), Labcorp
Classification: Uncertain significance for Hereditary diffuse gastric adenocarcinoma. Last evaluated: 2019-07-18. Review status: criteria provided, single submitter. Criteria: Invitae Variant Classification Sherloc (09022015). Collection method: clinical testing. Allele origin: germline.
Comment: In summary, the available evidence is currently insufficient to determine the role of this variant in disease. Therefore, it has been classified as a Variant of Uncertain Significance. This sequence change replaces threonine with alanine at codon 623 of the CDH1 protein (p.Thr623Ala). The threonine residue is highly conserved and there is a small physicochemical difference between threonine and alanine. This variant is not present in population databases (ExAC no frequency). This variant has not been reported in the literature in individuals with CDH1-related conditions. Algorithms developed to predict the effect of missense changes on protein structure and function are either unavailable or do not agree on the potential impact of this missense change (SIFT: "Tolerated"; PolyPhen-2: "Possibly Damaging"; Align-GVGD: "Class C0").

Ambry Genetics
Classification: Uncertain significance for Hereditary cancer-predisposing syndrome. Last evaluated: 2018-12-22. Review status: criteria provided, single submitter. Criteria: Ambry Variant Classification Scheme 2023. Collection method: clinical testing. Allele origin: germline.
Comment: The p.T623A variant (also known as c.1867A>G), located in coding exon 12 of the CDH1 gene, results from an A to G substitution at nucleotide position 1867. The threonine at codon 623 is replaced by alanine, an amino acid with similar properties. This amino acid position is well conserved in available vertebrate species. In addition, the in silico prediction for this alteration is inconclusive. Since supporting evidence is limited at this time, the clinical significance of this alteration remains unclear.

NM_004360.5(CDH1):c.1867A>G (p.Thr623Ala)

Gene: CDH1 (cadherin 1; plus strand). Cytogenetic location: 16q22.1.
Variant type: single nucleotide variant.
Coding change: c.1867A>G on transcript NM_004360.5 (MANE Select); coding-DNA position 1867, A replaced by G.
Protein change: p.Thr623Ala; replaces threonine 623 with alanine.
Molecular consequence: missense variant. On other transcripts: 5 prime UTR variant (1).
Genome position (GRCh38, 1-based): chr16:68,822,156, A>G. VCF-style: chr16-68822156-A-G. GRCh37 (hg19) VCF-style: chr16-68856059-A-G.
Other names: c.1684A>G, p.Thr562Ala (NM_001317184.2); c.319A>G, p.Thr107Ala (NM_001317185.2); c.-99A>G (NM_001317186.2); short protein forms T107A, T562A, T623A.
Identifiers: ClinVar variation 820216 (VCV000820216.14), dbSNP rs1596963727, ClinGen allele CA396467073.
Genomic context (GRCh38, chr16:68,822,156, plus strand): 5'-TGTGAGAGGAATCCAAAGCCTCAGGTCATAAACATCATTGATGCAGACCTTCCTCCCAAT[A>G]CATCTCCCTTCACAGCAGAACTAACACACGGGGCGAGTGCCAACTGGACCATTCAGTACA-3'
Protein context (NP_004351.1, residues 613-633): NIIDADLPPN[Thr623Ala]SPFTAELTHG